The following is an entry in ClinVar:

ClinVar aggregate classification (germline): Uncertain significance (1 of 4 stars; one submission).

Allele frequency attached by ClinVar (database versions not stated): ExAC 0.00001; gnomAD exomes 0.00001; gnomAD 0.00002; TOPMed 0.00003.
gnomAD v4.1: 22 of 1,613,196 alleles (0.0014%); highest among the groups gnomAD compares: Admixed American, 0.0033%; no homozygotes.

Submission:

Labcorp Genetics (formerly Invitae), Labcorp
Classification: Uncertain significance. Last evaluated: 2024-12-03. Review status: criteria provided, single submitter. Criteria: Invitae Variant Classification Sherloc (09022015). Collection method: clinical testing. Allele origin: germline.
Comment: This sequence change replaces arginine, which is basic and polar, with histidine, which is basic and polar, at codon 66 of the NDST1 protein (p.Arg66His). This variant is present in population databases (rs761957648, gnomAD 0.006%). This variant has not been reported in the literature in individuals affected with NDST1-related conditions. ClinVar contains an entry for this variant (Variation ID: 2166526). An algorithm developed to predict the effect of missense changes on protein structure and function (PolyPhen-2) suggests that this variant is likely to be tolerated. In summary, the available evidence is currently insufficient to determine the role of this variant in disease. Therefore, it has been classified as a Variant of Uncertain Significance.

NM_001543.5(NDST1):c.197G>A (p.Arg66His)

Gene: NDST1 (N-deacetylase and N-sulfotransferase 1; plus strand). Cytogenetic location: 5q33.1.
Variant type: single nucleotide variant.
Coding change: c.197G>A on transcript NM_001543.5 (MANE Select); coding-DNA position 197, G replaced by A.
Protein change: p.Arg66His; replaces arginine 66 with histidine.
Molecular consequence: missense variant.
Genome position (GRCh38, 1-based): chr5:150,521,451, G>A. VCF-style: chr5-150521451-G-A. GRCh37 (hg19) VCF-style: chr5-149901013-G-A.
Other names: c.197G>A, p.Arg66His (NM_001301063.2); short protein forms R66H.
Identifiers: ClinVar variation 2166526 (VCV002166526.4), dbSNP rs761957648, ClinGen allele CA3512352.